The following is an entry in ClinVar:

NM_000548.5(TSC2):c.234G>A (p.Val78=)

Gene: TSC2 (TSC complex subunit 2; plus strand). Cytogenetic location: 16p13.3.
Variant type: single nucleotide variant.
Coding change: c.234G>A on transcript NM_000548.5 (MANE Select); coding-DNA position 234, G replaced by A.
Protein change: p.Val78=; no amino-acid change (valine 78 retained).
Molecular consequence: synonymous variant. On other transcripts: intron variant (2).
Genome position (GRCh38, 1-based): chr16:2,053,350, G>A. VCF-style: chr16-2053350-G-A. GRCh37 (hg19) VCF-style: chr16-2103351-G-A.
Other names: c.234G>A (NM_000548.4); c.234G>A, p.Val78= (NM_001077183.3, NM_001114382.3, NM_001363528.2 and 3 more transcripts); c.87G>A, p.Val29= (NM_001318829.2); c.267G>A, p.Val89= (NM_001318832.2); c.226-946G>A (NM_001318827.2); c.-1-2846G>A (NM_001318831.2).
Identifiers: ClinVar variation 753532 (VCV000753532.17), dbSNP rs1347487177, ClinGen allele CA492955102.

ClinVar aggregate classification (germline): Benign/Likely benign. Review status: criteria provided, multiple submitters, no conflicts (2 of 4 stars). 5 submissions from 5 submitters: Benign (1); Likely benign (3). 1 of the submissions does not count toward it. Last evaluated 2025-05-07.

Conditions:
TSC2-related disorder. Also called: TSC2-Related Disorders; TSC2-related condition.
Hereditary cancer-predisposing syndrome. Also called: Tumor predisposition; Hereditary neoplastic syndrome; Neoplastic Syndromes, Hereditary; Hereditary Cancer Syndrome. Identifiers: Orphanet 140162, MedGen C0027672, MeSH D009386, MONDO:0015356.
Tuberous sclerosis 2 (TSC2). Identifiers: Orphanet 805, MedGen C1860707, MONDO:0013199, OMIM 613254.

Allele frequency attached by ClinVar (database versions not stated): gnomAD exomes below 0.00001; gnomAD 0.00001; TOPMed 0.00001.
gnomAD v4.1: 6 of 1,584,536 alleles (0.00038%); highest among the groups gnomAD compares: South Asian, 0.0023%; no homozygotes.

Submissions (5):

Labcorp Genetics (formerly Invitae), Labcorp
Classification: Likely benign for Tuberous sclerosis 2. Last evaluated: 2025-05-07. Review status: criteria provided, single submitter. Criteria: Invitae Variant Classification Sherloc (09022015). Collection method: clinical testing. Allele origin: germline.

Myriad Genetics, Inc.
Classification: Benign for Tuberous sclerosis 2. Last evaluated: 2025-05-02. Review status: criteria provided, single submitter. Criteria: Myriad Autosomal Dominant, Autosomal Recessive and X-Linked Classification Criteria (2023). Collection method: clinical testing. Allele origin: unknown.
Comment: This variant is considered benign. This variant is a silent/synonymous amino acid change and it is not expected to impact splicing.

Blueprint Genetics
Classification: Likely benign. Last evaluated: 2021-10-13. Review status: criteria provided, single submitter. Criteria: ACMG Guidelines, 2015. Collection method: clinical testing. Allele origin: germline.

Ambry Genetics
Classification: Likely benign for Hereditary cancer-predisposing syndrome. Last evaluated: 2020-06-19. Review status: criteria provided, single submitter. Criteria: Ambry Variant Classification Scheme 2023. Collection method: clinical testing. Allele origin: germline.

PreventionGenetics, part of Exact Sciences
Classification: Likely benign for TSC2-related condition. Last evaluated: 2019-05-28. Review status: no assertion criteria provided. Collection method: clinical testing. Allele origin: germline. Not counted in ClinVar's aggregate classification.
Comment: This variant is classified as likely benign based on ACMG/AMP sequence variant interpretation guidelines (Richards et al. 2015 PMID: 25741868, with internal and published modifications).